The following is an entry in ClinVar:

NM_001148.6(ANK2):c.3526G>T (p.Val1176Leu)

Gene: ANK2 (ankyrin 2; plus strand). Cytogenetic location: 4q26.
Variant type: single nucleotide variant.
Coding change: c.3526G>T on transcript NM_001148.6 (MANE Select); coding-DNA position 3526, G replaced by T.
Protein change: p.Val1176Leu; replaces valine 1176 with leucine.
Molecular consequence: missense variant. On other transcripts: 5 prime UTR variant (2).
Genome position (GRCh38, 1-based): chr4:113,335,992, G>T. VCF-style: chr4-113335992-G-T. GRCh37 (hg19) VCF-style: chr4-114257148-G-T.
Other names: p.V1176L:GTG>TTG; c.3499G>T, p.Val1167Leu (NM_001127493.3); c.3538G>T, p.Val1180Leu (NM_001354225.2); c.3427G>T, p.Val1143Leu (NM_001354228.2, NM_001354258.2); c.3505G>T, p.Val1169Leu (NM_001354230.2); c.3568G>T, p.Val1190Leu (NM_001354231.2, NM_001354242.2); c.3562G>T, p.Val1188Leu (NM_001354232.2); c.3523G>T, p.Val1175Leu (NM_001354235.2, NM_001354246.2, NM_001354265.2); and 32 more; short protein forms V1167L, V1176L, V1048L, V1114L, V1121L, V1154L, V1166L, V1169L.
Identifiers: ClinVar variation 190565 (VCV000190565.25), dbSNP rs777113752, ClinGen allele CA300883.
Genomic context (GRCh38, chr4:113,335,992, plus strand): 5'-CGTATCAAACAGGACAGCAATCTGATTGGCCCAGAAGGAGGTGTACTGAGCAGCACAGTG[G>T]TGCCCCAGGTGCAGGCCGTCTTCCCAGAGGGGGCACTCACCAAGCGGATCCGCGTAGGCC-3'
Protein context (NP_001139.3, residues 1166-1186): PEGGVLSSTV[Val1176Leu]PQVQAVFPEG

ClinVar aggregate classification (germline): Conflicting classifications of pathogenicity. Review status: criteria provided, conflicting classifications (1 of 4 stars). 6 submissions from 6 submitters: Uncertain significance (3); Likely benign (2). 1 of the submissions does not count toward it. Last evaluated 2025-11-17.

Conditions:
Cardiovascular phenotype. Identifiers: MedGen CN230736.
ANK2-related disorder. Also called: ANK2-related condition.
Long QT syndrome (LQTS). Identifiers: MedGen C0023976, MeSH D008133, MONDO:0002442. Disease mechanism: loss of function. Inheritance: Various modes of inheritance.
Cardiac arrhythmia, ankyrin-B-related. Also called: ANKYRIN-B SYNDROME. Identifiers: Orphanet 101016, Orphanet 768, MedGen C1970119, MONDO:0010958, OMIM 600919.

Allele frequency attached by ClinVar (database versions not stated): gnomAD 0.00001; TOPMed 0.00001; ExAC 0.00005; gnomAD exomes 0.00005 and 0.00006.
gnomAD v4.1: 86 of 1,614,036 alleles (0.0053%); highest among the groups gnomAD compares: Middle Eastern, 0.033%; 1 homozygote.

Submissions (6):

Labcorp Genetics (formerly Invitae), Labcorp
Classification: Uncertain significance for Long QT syndrome. Last evaluated: 2025-11-17. Review status: criteria provided, single submitter. Criteria: Invitae Variant Classification Sherloc (09022015). Collection method: clinical testing. Allele origin: germline.
Comment: This sequence change replaces valine, which is neutral and non-polar, with leucine, which is neutral and non-polar, at codon 1176 of the ANK2 protein (p.Val1176Leu). This variant is present in population databases (rs777113752, gnomAD 0.02%). This variant has not been reported in the literature in individuals affected with ANK2-related conditions. ClinVar contains an entry for this variant (Variation ID: 190565). Invitae Evidence Modeling of protein sequence and biophysical properties (such as structural, functional, and spatial information, amino acid conservation, physicochemical variation, residue mobility, and thermodynamic stability) indicates that this missense variant is not expected to disrupt ANK2 protein function with a negative predictive value of 80%. In summary, the available evidence is currently insufficient to determine the role of this variant in disease. Therefore, it has been classified as a Variant of Uncertain Significance.

CeGaT Center for Human Genetics Tuebingen
Classification: Likely benign. Last evaluated: 2025-07-01. Review status: criteria provided, single submitter. Criteria: CeGaT Center For Human Genetics Tuebingen Variant Classification Criteria Version 2. Collection method: clinical testing. Allele origin: germline. Affected: yes. Observed: 1 variant allele.
Comment: ANK2: BP1

GeneDx
Classification: Uncertain significance. Last evaluated: 2024-07-11. Review status: criteria provided, single submitter. Criteria: GeneDx Variant Classification Process June 2021. Collection method: clinical testing. Allele origin: germline. Affected: yes.
Comment: In silico analysis supports that this missense variant has a deleterious effect on protein structure/function; Has not been previously published as pathogenic or benign to our knowledge

Ambry Genetics
Classification: Likely benign for Cardiovascular phenotype. Last evaluated: 2024-04-28. Review status: criteria provided, single submitter. Criteria: Ambry Variant Classification Scheme 2023. Collection method: clinical testing. Allele origin: germline.

Centre for Mendelian Genomics, University Medical Centre Ljubljana
Classification: Uncertain significance for Cardiac arrhythmia, ankyrin-B-related. Last evaluated: 2019-09-07. Review status: criteria provided, single submitter. Criteria: ACMG Guidelines, 2015. Collection method: clinical testing. Allele origin: unknown. Affected: yes.
Comment: This variant was classified as: Uncertain significance. The available evidence on this variant's pathogenicity is insufficient or conflicting. The following ACMG criteria were applied in classifying this variant: PP3,BP5.

PreventionGenetics, part of Exact Sciences
Classification: Uncertain significance for ANK2-related condition. Last evaluated: 2023-11-22. Review status: no assertion criteria provided. Collection method: clinical testing. Allele origin: germline. Not counted in ClinVar's aggregate classification.
Comment: The ANK2 c.3526G>T variant is predicted to result in the amino acid substitution p.Val1176Leu. To our knowledge, this variant has not been reported in the literature. This variant is reported in 0.016% of alleles in individuals of South Asian descent in gnomAD. At this time, the clinical significance of this variant is uncertain due to the absence of conclusive functional and genetic evidence.